The following is an entry in ClinVar:

ClinVar aggregate classification (germline): Conflicting classifications of pathogenicity. Review status: criteria provided, conflicting classifications (1 of 4 stars). 14 submissions from 14 submitters: Uncertain significance (6); Benign (1); Likely benign (2). 5 of the submissions do not count toward it. Last evaluated 2025-12-09.

Conditions:
Hereditary cancer-predisposing syndrome. Also called: Hereditary Cancer Syndrome; Hereditary neoplastic syndrome; Neoplastic Syndromes, Hereditary; Tumor predisposition. Identifiers: Orphanet 140162, MedGen C0027672, MeSH D009386, MONDO:0015356.
Breast-ovarian cancer, familial, susceptibility to, 1 (BROVCA1). Also called: BRCA1 Hereditary Breast and Ovarian Cancer; OVARIAN CANCER, SUSCEPTIBILITY TO. Identifiers: Orphanet 145, MedGen C2676676, MONDO:0011450, OMIM 604370. Disease mechanism: loss of function.
Hereditary breast ovarian cancer syndrome. Also called: BRCA1- and BRCA2-Associated Hereditary Breast and Ovarian Cancer; Hereditary breast and ovarian cancer syndrome; Hereditary breast and ovarian cancer syndrome (HBOC); Breast and ovarian cancer; Hereditary breast and/or ovarian cancer syndrome; Hereditary breast and ovarian cancer. Identifiers: Orphanet 145, MedGen C0677776, MeSH D061325, MONDO:0003582. Disease mechanism: loss of function.

Allele frequency attached by ClinVar (database versions not stated): gnomAD exomes 0.00001; TOPMed below 0.00001; ExAC 0.00001.
gnomAD v4.1: 7 of 1,613,430 alleles (0.00043%); highest among the groups gnomAD compares: Non-Finnish European, 0.00059%; no homozygotes.

Submissions 1 to 8 of 14:

Labcorp Genetics (formerly Invitae), Labcorp
Classification: Uncertain significance for Hereditary breast ovarian cancer syndrome. Last evaluated: 2025-12-09. Review status: criteria provided, single submitter. Criteria: Invitae Variant Classification Sherloc (09022015). Collection method: clinical testing. Allele origin: germline.
Comment: This sequence change replaces aspartic acid, which is acidic and polar, with valine, which is neutral and non-polar, at codon 245 of the BRCA1 protein (p.Asp245Val). This variant is present in population databases (rs80356865, gnomAD 0.003%). This missense change has been observed in individual(s) with breast and/or ovarian cancer (PMID: 26843898, 27495310, 32806537). ClinVar contains an entry for this variant (Variation ID: 55682). Invitae Evidence Modeling of protein sequence and biophysical properties (such as structural, functional, and spatial information, amino acid conservation, physicochemical variation, residue mobility, and thermodynamic stability) indicates that this missense variant is expected to disrupt BRCA1 protein function with a positive predictive value of 80%. Experimental studies have shown that this missense change does not substantially affect BRCA1 function (PMID: 23867111). In summary, the available evidence is currently insufficient to determine the role of this variant in disease. Therefore, it has been classified as a Variant of Uncertain Significance.

Color Diagnostics, LLC DBA Color Health
Classification: Likely benign for Hereditary cancer-predisposing syndrome. Last evaluated: 2025-07-15. Review status: criteria provided, single submitter. Criteria: ACMG Guidelines, 2015. Collection method: clinical testing. Allele origin: germline.

German Consortium for Hereditary Breast and Ovarian Cancer, University Hospital Cologne
Classification: Benign for Hereditary breast ovarian cancer syndrome. Last evaluated: 2024-09-09. Review status: criteria provided, single submitter. Criteria: ClinGen BRCA1 V1.1.0. Collection method: curation. Allele origin: germline.
Comment: According to the ClinGen ENIGMA BRCA1 v1.1.0 criteria we chose these criteria: BP1 (strong benign): no impact on splicing (SpliceAI), outside functional domain , BS3 (strong benign): Reported by one calibrated study to exhibit protein function similar to benign control variants (PMID:32546644) (BS3 met).

Quest Diagnostics Nichols Institute San Juan Capistrano
Classification: Uncertain significance. Last evaluated: 2024-05-07. Review status: criteria provided, single submitter. Criteria: Quest Diagnostics criteria. Collection method: clinical testing. Allele origin: unknown.
Comment: The BRCA1 c.734A>T (p.Asp245Val) variant has been reported in individuals with personal or family history of breast or ovarian cancer (PMID: 37415649 (2023), 33471991 (2021), 32806537 (2020), 27495310 (2016), 26843898 (2016), 25415331 (2014), see also LOVD). This variant has also been identified in reportedly healthy individuals (PMID: 33471991 (2021), see also LOVD). A functional study has reported that this variant does not have a deleterious effect on BRCA1 protein function (PMID: 23867111 (2013)). The frequency of this variant in the general population, 0.000027 (3/113104 chromosomes (Genome Aggregation Database)), is uninformative in the assessment of its pathogenicity. Analysis of this variant using bioinformatics tools for the prediction of the effect of amino acid changes on protein structure and function yielded predictions that this variant is damaging. Based on the available information, we are unable to determine the clinical significance of this variant.

Ambry Genetics
Classification: Uncertain significance for Hereditary cancer-predisposing syndrome. Last evaluated: 2023-12-20. Review status: criteria provided, single submitter. Criteria: Ambry Variant Classification Scheme 2023. Collection method: clinical testing. Allele origin: germline.
Comment: The p.D245V variant (also known as c.734A>T), located in coding exon 9 of the BRCA1 gene, results from an A to T substitution at nucleotide position 734. The aspartic acid at codon 245 is replaced by valine, an amino acid with highly dissimilar properties. This alteration has been identified in individuals with a personal or family history of breast and/or ovarian cancer (Wojcik P et al. Hered Cancer Clin Pract, 2016 Feb;14:5; Jarhelle E et al. Fam. Cancer, 2017 01;16:1-16; Foglietta J et al. Genes (Basel), 2020 08;11; Hovland HN et al. Fam Cancer, 2022 Oct;21:389-398; Boga I et al. Eur J Breast Health, 2023 Jul;19:235-252). This amino acid position is well conserved in available vertebrate species. In addition, this alteration is predicted to be deleterious by in silico analysis. Since supporting evidence is limited at this time, the clinical significance of this alteration remains unclear.

All of Us Research Program, National Institutes of Health
Classification: Uncertain significance for Breast-ovarian cancer, familial, susceptibility to, 1. Last evaluated: 2023-11-20. Review status: criteria provided, single submitter. Criteria: ACMG Guidelines, 2015. Collection method: clinical testing. Allele origin: germline. Inheritance: Autosomal dominant inheritance. Observed: 4 variant alleles, 4 heterozygotes.
Comment: This missense variant replaces aspartic acid with valine at codon 245 of the BRCA1 protein. Computational prediction is inconclusive regarding the impact of this variant on protein structure and function (internally defined REVEL score threshold 0.5 < inconclusive < 0.7, PMID: 27666373). Functional study has shown this variant has neutral effect on DNA interstrand crosslink (ICL) repair (PMID: 23867111). This variant has been reported in at least four individuals affected with breast or ovarian cancer and one unaffected individual (PMID: 26843898, 32806537, 33471991; Color internal data; LOVD DB-ID: BRCA1_001285) and an individual with family history of breast or ovarian cancer (PMID: 27495310). This variant has been identified in 3/250038 chromosomes in the general population by the Genome Aggregation Database (gnomAD). The available evidence is insufficient to determine the role of this variant in disease conclusively. Therefore, this variant is classified as a Variant of Uncertain Significance.

This study involves interpretation of variants in research participants for the purpose of population health screening. Participant phenotype was not available at the time of variant classification. Additional details can be found in publication PMID: 35346344, PMCID: PMC8962531

University of Washington Department of Laboratory Medicine, University of Washington
Classification: Likely benign for Hereditary cancer-predisposing syndrome. Last evaluated: 2023-03-23. Review status: criteria provided, single submitter. Criteria: Dines et al. (Genet Med. 2020). Collection method: curation. Allele origin: germline.
Comment: Missense variant in a coldspot region where missense variants are very unlikely to be pathogenic (PMID:31911673).

BRCA1 coldspot (exon 11 using historical exon numbering). Reclassification based on statistical prior probability

GeneDx
Classification: Uncertain significance. Last evaluated: 2022-09-22. Review status: criteria provided, single submitter. Criteria: GeneDx Variant Classification Process June 2021. Collection method: clinical testing. Allele origin: germline. Affected: yes.
Comment: Not observed at a significant frequency in large population cohorts (gnomAD); In silico analysis, which includes protein predictors and evolutionary conservation, supports a deleterious effect; Published functional studies demonstrate no damaging effect (Bouwman et al., 2013); Also known as 853A>T; Observed in individuals with a personal and/or family history of breast and/or ovarian cancer (Jarhelle et al., 2016; Wojcik et al., 2016; Foglietta et al., 2020); This variant is associated with the following publications: (PMID: 27495310, 26843898, 22703879, 32806537, 31131967, 9926942, 9582019, 9788437, 20215511, 23867111)

NM_007294.4(BRCA1):c.734A>T (p.Asp245Val)

Gene: BRCA1 (BRCA1 DNA repair associated; minus strand). Cytogenetic location: 17q21.31.
Variant type: single nucleotide variant.
Coding change: c.734A>T on transcript NM_007294.4 (MANE Select); coding-DNA position 734, A replaced by T.
Protein change: p.Asp245Val; replaces aspartic acid 245 with valine.
Molecular consequence: missense variant. On other transcripts: non-coding transcript variant (1).
Genome position (GRCh38, 1-based): chr17:43,094,797, T>A on the plus strand (A>T on the coding strand, the complement: BRCA1 is on the minus strand). VCF-style: chr17-43094797-T-A. GRCh37 (hg19) VCF-style: chr17-41246814-T-A.
Other names: p.D245V:GAT>GTT; c.611A>T, p.Asp204Val (NM_001407665.1, NM_001407666.1, NM_001407667.1 and 34 more transcripts); c.608A>T, p.Asp203Val (NM_001407670.1, NM_001407671.1, NM_001407672.1 and 20 more transcripts); c.734A>T, p.Asp245Val (NM_001407684.1, NM_001407854.1, NM_001407858.1 and 54 more transcripts); c.593A>T, p.Asp198Val (NM_001407692.1, NM_001407694.1, NM_001407695.1 and 43 more transcripts); c.590A>T, p.Asp197Val (NM_001407740.1, NM_001407741.1, NM_001407742.1 and 26 more transcripts); c.521A>T, p.Asp174Val (NM_001407853.1, NM_001407894.1, NM_001407895.1 and 12 more transcripts); c.731A>T, p.Asp244Val (NM_001407860.1, NM_001407861.1, NM_001407972.1 and 38 more transcripts); and 15 more; short protein forms D245V, D198V, D133V, D175V, D200V, D218V, D219V, D117V.
Identifiers: ClinVar variation 55682 (VCV000055682.44), dbSNP rs80356865, ClinGen allele CA003841.